The following is an entry in ClinVar:

ClinVar aggregate classification (germline): Uncertain significance. Review status: criteria provided, multiple submitters, no conflicts (2 of 4 stars). 2 submissions from 2 submitters: Uncertain significance (2). Last evaluated 2023-10-03.

Conditions:
Ullrich congenital muscular dystrophy 2 (UCMD2). Identifiers: Orphanet 75840, MedGen C4225314, MONDO:0014654, OMIM 616470.
Bethlem myopathy 2 (BTHLM2). Identifiers: Orphanet 536516, Orphanet 610, MedGen C4225313, MONDO:0034022, OMIM 616471.

Allele frequency attached by ClinVar (database versions not stated): gnomAD exomes below 0.00001.
gnomAD v4.1: 1 of 1,613,608 alleles (0.000062%); highest among the groups gnomAD compares: South Asian, 0.0011%; no homozygotes.

Submissions (2):

GeneDx
Classification: Uncertain significance. Last evaluated: 2023-10-03. Review status: criteria provided, single submitter. Criteria: GeneDx Variant Classification Process June 2021. Collection method: clinical testing. Allele origin: germline. Affected: yes.
Comment: Has not been previously published as pathogenic or benign to our knowledge; In silico analysis supports that this missense variant has a deleterious effect on protein structure/function; Not observed at significant frequency in large population cohorts (gnomAD)

Labcorp Genetics (formerly Invitae), Labcorp
Classification: Uncertain significance for Bethlem myopathy 2; Ullrich congenital muscular dystrophy 2. Last evaluated: 2023-09-27. Review status: criteria provided, single submitter. Criteria: Invitae Variant Classification Sherloc (09022015). Collection method: clinical testing. Allele origin: germline.
Comment: In summary, the available evidence is currently insufficient to determine the role of this variant in disease. Therefore, it has been classified as a Variant of Uncertain Significance. Advanced modeling of protein sequence and biophysical properties (such as structural, functional, and spatial information, amino acid conservation, physicochemical variation, residue mobility, and thermodynamic stability) performed at Invitae indicates that this missense variant is not expected to disrupt COL12A1 protein function. This variant has not been reported in the literature in individuals affected with COL12A1-related conditions. This variant is present in population databases (no rsID available, gnomAD 0.003%). This sequence change replaces alanine, which is neutral and non-polar, with valine, which is neutral and non-polar, at codon 2734 of the COL12A1 protein (p.Ala2734Val).

NM_004370.6(COL12A1):c.8201C>T (p.Ala2734Val)

Gene: COL12A1 (collagen type XII alpha 1 chain; minus strand). Cytogenetic location: 6q13.
Variant type: single nucleotide variant.
Coding change: c.8201C>T on transcript NM_004370.6 (MANE Select); coding-DNA position 8201, C replaced by T.
Protein change: p.Ala2734Val; replaces alanine 2734 with valine.
Molecular consequence: missense variant.
Genome position (GRCh38, 1-based): chr6:75,105,270, G>A on the plus strand (C>T on the coding strand, the complement: COL12A1 is on the minus strand). VCF-style: chr6-75105270-G-A. GRCh37 (hg19) VCF-style: chr6-75814986-G-A.
Other names: c.8201C>T, p.Ala2734Val (NM_001424113.1); c.8180C>T, p.Ala2727Val (NM_001424114.1); c.7928C>T, p.Ala2643Val (NM_001424115.1); c.4709C>T, p.Ala1570Val (NM_001424116.1, NM_080645.3); short protein forms A1570V, A2643V, A2727V, A2734V.
Identifiers: ClinVar variation 2662995 (VCV002662995.4), dbSNP rs1244183222, ClinGen allele CA364740626.
Genomic context (GRCh38, chr6:75,105,270, plus strand): 5'-GGGCCTGGAGGTCCTGGAGGTCCAACGCTGTCCTGTGTACATGTGCAAGAATTTGGAAAA[G>A]CAGGGCATTTTCCCTCATCTCTCTGAAATTTTGAAAAGAATATTTACCTTTAAATTTAGA-3'
Protein context (NP_004361.3, residues 2724-2744): PSRRDEGKCP[Ala2734Val]FPNSCTCTQD